The following is an entry in ClinVar:

ClinVar aggregate classification (germline): Pathogenic (3 of 4 stars; one submission).

Conditions:
Glanzmann thrombasthenia. Also called: THROMBASTHENIA OF GLANZMANN AND NAEGELI; BLEEDING DISORDER, PLATELET-TYPE, 2; Thrombasthenia; PLATELET GLYCOPROTEIN IIb-IIIa DEFICIENCY; Glanzmann's thrombasthenia. Identifiers: Orphanet 849, MedGen C0040015, MONDO:0100326.

Submission:

ClinGen Platelet Disorders Variant Curation Expert Panel, ClinGen
Classification: Pathogenic for Glanzmann thrombasthenia. Last evaluated: 2021-06-30. Review status: reviewed by expert panel. Criteria: ClinGen Platelet ACMG Specifications v2. Collection method: curation. Allele origin: germline. Inheritance: Autosomal recessive inheritance.
Comment: The NM_000212.3(ITGB3):c.1525del variant results in a frameshift (p.Gln509ArgfsTer160) with a premature stop codon in exon 12/15 leading to nonsense mediated decay in a gene in which loss-of-function is an established disease mechanism (PVS1). At least one proband has been reported with this variant, GT15a of PMID: 29675921 meets the criteria for PP4_strong. Siblings GT15a and GT15b are both compound heterozygous for Cys400Tyr and c.1525del (PP1; PMID: 29675921). This variant is absent from gnomAD v2.1.1 (PM2_Supporting). In summary, this variant meets the criteria to be classified as Pathogenic for autosomal recessive Glanzmann Thrombasthenia based on the ACMG/AMP criteria applied, as specified by the ClinGen PD VCEP: PVS1, PM2_supporting, PP1, PP4_strong. (VCEP specifications version 2; date of approval xx/xx/xxxx)

NM_000212.3(ITGB3):c.1525del (p.Gln509fs)

Gene: ITGB3 (integrin subunit beta 3; plus strand). Cytogenetic location: 17q21.32.
Variant type: Deletion.
Coding change: c.1525del on transcript NM_000212.3 (MANE Select); coding-DNA position 1525, one base deleted (C; older notation c.1525delC).
Protein change: p.Gln509fs; shifts the reading frame from glutamine 509.
Molecular consequence: frameshift variant.
Genome position (GRCh38, 1-based): chr17:47,292,403, C deleted. VCF-style (leftmost placement, unchanged base first): chr17-47292402-GC-G. GRCh37 (hg19) VCF-style: chr17-45369768-GC-G.
Other names: NM_000212.3:c.1525del; short protein forms Q509fs.
Identifiers: ClinVar variation 1330336 (VCV001330336.1), dbSNP rs2143113595, ClinGen allele CA915940237.